The following is an entry in ClinVar:

NM_001999.4(FBN2):c.7744T>C (p.Cys2582Arg)

Gene: FBN2 (fibrillin 2; minus strand). Cytogenetic location: 5q23.3.
Variant type: single nucleotide variant.
Coding change: c.7744T>C on transcript NM_001999.4 (MANE Select); coding-DNA position 7744, T replaced by C.
Protein change: p.Cys2582Arg; replaces cysteine 2582 with arginine.
Molecular consequence: missense variant.
Genome position (GRCh38, 1-based): chr5:128,273,936, A>G on the plus strand (T>C on the coding strand, the complement: FBN2 is on the minus strand). VCF-style: chr5-128273936-A-G. GRCh37 (hg19) VCF-style: chr5-127609628-A-G.
Other names: short protein forms C2582R.
Identifiers: ClinVar variation 1061029 (VCV001061029.9), dbSNP rs2126805299, ClinGen allele CA360752741.

ClinVar aggregate classification (germline): Uncertain significance (1 of 4 stars; one submission).

Conditions:
Congenital contractural arachnodactyly (CCA). Also called: BEALS SYNDROME; Arthrogryposis, distal, type 9; Beals-Hecht syndrome. Identifiers: Orphanet 115, MedGen C0220668, MONDO:0007363, OMIM 121050.

Submission:

Labcorp Genetics (formerly Invitae), Labcorp
Classification: Uncertain significance for Congenital contractural arachnodactyly. Last evaluated: 2020-08-27. Review status: criteria provided, single submitter. Criteria: Invitae Variant Classification Sherloc (09022015). Collection method: clinical testing. Allele origin: germline.
Comment: This sequence change replaces cysteine with arginine at codon 2582 of the FBN2 protein (p.Cys2582Arg). The cysteine residue is highly conserved and there is a large physicochemical difference between cysteine and arginine. This variant is not present in population databases (ExAC no frequency). This variant has not been reported in the literature in individuals with FBN2-related conditions. Algorithms developed to predict the effect of missense changes on protein structure and function are either unavailable or do not agree on the potential impact of this missense change (SIFT: "Deleterious"; PolyPhen-2: "Probably Damaging"; Align-GVGD: "Class C0"). In summary, the available evidence is currently insufficient to determine the role of this variant in disease. Therefore, it has been classified as a Variant of Uncertain Significance.